The following is an entry in ClinVar:

NM_032447.5(FBN3):c.5827G>A (p.Gly1943Ser)

Gene: FBN3 (fibrillin 3; minus strand). Cytogenetic location: 19p13.2.
Variant type: single nucleotide variant.
Coding change: c.5827G>A on transcript NM_032447.5 (MANE Select); coding-DNA position 5827, G replaced by A.
Protein change: p.Gly1943Ser; replaces glycine 1943 with serine.
Molecular consequence: missense variant.
Genome position (GRCh38, 1-based): chr19:8,094,524, C>T on the plus strand (G>A on the coding strand, the complement: FBN3 is on the minus strand). VCF-style: chr19-8094524-C-T. GRCh37 (hg19) VCF-style: chr19-8159408-C-T.
Other names: c.5827G>A, p.Gly1943Ser (NM_001321431.2); short protein forms G1943S.
Identifiers: ClinVar variation 1380950 (VCV001380950.8), dbSNP rs2082169262, ClinGen allele CA403725234.

ClinVar aggregate classification (germline): Uncertain significance (1 of 4 stars; one submission).

Allele frequency attached by ClinVar (database versions not stated): TOPMed below 0.00001.
gnomAD v4.1: 1 of 1,613,990 alleles (0.000062%); no homozygotes.

Submission:

Labcorp Genetics (formerly Invitae), Labcorp
Classification: Uncertain significance. Last evaluated: 2021-07-26. Review status: criteria provided, single submitter. Criteria: Invitae Variant Classification Sherloc (09022015). Collection method: clinical testing. Allele origin: germline.
Comment: This variant is not present in population databases (ExAC no frequency). This sequence change replaces glycine with serine at codon 1943 of the FBN3 protein (p.Gly1943Ser). The glycine residue is highly conserved and there is a small physicochemical difference between glycine and serine. In summary, the available evidence is currently insufficient to determine the role of this variant in disease. Therefore, it has been classified as a Variant of Uncertain Significance. Algorithms developed to predict the effect of missense changes on protein structure and function are either unavailable or do not agree on the potential impact of this missense change (SIFT: "Not Available"; PolyPhen-2: "Probably Damaging"; Align-GVGD: "Not Available"). This variant has not been reported in the literature in individuals affected with FBN3-related conditions.